The following is an entry in ClinVar:

NM_138691.3(TMC1):c.507dup (p.Trp170fs)

Gene: TMC1 (transmembrane channel like 1; plus strand). Cytogenetic location: 9q21.13.
Variant type: Duplication.
Coding change: c.507dup on transcript NM_138691.3 (MANE Select); coding-DNA position 507, one base duplicated (A; older notation c.507dupA).
Protein change: p.Trp170fs; shifts the reading frame from tryptophan 170.
Molecular consequence: frameshift variant.
Genome position (GRCh38, 1-based): chr9:72,742,497, A duplicated. VCF-style (leftmost placement, unchanged base first): chr9-72742496-C-CA. GRCh37 (hg19) VCF-style: chr9-75357412-C-CA.
Other names: short protein forms W170fs.
Identifiers: ClinVar variation 3384129 (VCV003384129.1).

ClinVar aggregate classification (germline): Likely pathogenic (1 of 4 stars; one submission).

Conditions:
Deafness. Identifiers: MedGen C0011053.

Submission:

Dubai Health Genomic Medicine Center, Dubai Health
Classification: Likely pathogenic for Deafness. Last evaluated: 2024-10-04. Review status: criteria provided, single submitter. Criteria: ACMG Guidelines, 2015. Collection method: research. Allele origin: germline. Affected: yes.
Comment: PVS1,PM2